The following is an entry in ClinVar:

NM_001080510.5(METTL23):c.65C>G (p.Pro22Arg)

Gene: METTL23 (methyltransferase 23, arginine; plus strand). Cytogenetic location: 17q25.1.
Variant type: single nucleotide variant.
Coding change: c.65C>G on transcript NM_001080510.5 (MANE Select); coding-DNA position 65, C replaced by G.
Protein change: p.Pro22Arg; replaces proline 22 with arginine.
Molecular consequence: missense variant. On other transcripts: intron variant (5).
Genome position (GRCh38, 1-based): chr17:76,729,775, C>G. VCF-style: chr17-76729775-C-G. GRCh37 (hg19) VCF-style: chr17-74725857-C-G.
Other names: c.65C>G, p.Pro22Arg (NM_001206983.3, NM_001206984.3, NM_001302703.2 and 2 more transcripts); c.70C>G, p.Gln24Glu (NM_001302705.2, NM_001378350.1, NM_001378351.1 and 2 more transcripts); c.-118+2418C>G (NM_001206987.3); c.-118+2562C>G (NM_001206986.3); c.-118+2597C>G (NM_001206985.3, NM_001302704.2); c.-118+2896C>G (NM_001378354.1); short protein forms P22R, Q24E.
Identifiers: ClinVar variation 3392862 (VCV003392862.1).

ClinVar aggregate classification (germline): Uncertain significance (1 of 4 stars; one submission).

gnomAD v4.1: 124 of 1,592,832 alleles (0.0078%); highest among the groups gnomAD compares: Non-Finnish European, 0.0019%; no homozygotes.

Submission:

GeneDx
Classification: Uncertain significance. Last evaluated: 2024-06-26. Review status: criteria provided, single submitter. Criteria: GeneDx Variant Classification Process June 2021. Collection method: clinical testing. Allele origin: germline. Affected: yes.
Comment: In silico analysis indicates that this missense variant does not alter protein structure/function; Has not been previously published as pathogenic or benign to our knowledge